The following is an entry in ClinVar:

NM_002225.5(IVD):c.498del (p.Glu166fs)

Gene: IVD (isovaleryl-CoA dehydrogenase; plus strand). Cytogenetic location: 15q15.1.
Variant type: Deletion.
Coding change: c.498del on transcript NM_002225.5 (MANE Select); coding-DNA position 498, one base deleted (G; older notation c.498delG).
Protein change: p.Glu166fs; shifts the reading frame from glutamic acid 166.
Molecular consequence: frameshift variant. On other transcripts: non-coding transcript variant (1).
Genome position (GRCh38, 1-based): chr15:40,411,301, G deleted. VCF-style (leftmost placement, unchanged base first): chr15-40411300-AG-A. GRCh37 (hg19) VCF-style: chr15-40703499-AG-A.
Other names: c.507del (NM_002225.3); c.408del, p.Glu136fs (NM_001159508.3); c.450del, p.Glu150fs (NM_001354597.3); c.498del, p.Glu166fs (NM_001354598.3, NM_001354601.3); c.585del, p.Glu195fs (NM_001354599.3, NM_001354600.3); short protein forms E136fs, E150fs, E166fs, E195fs.
Identifiers: ClinVar variation 94056 (VCV000094056.18), dbSNP rs398123684, ClinGen allele CA221937.

ClinVar aggregate classification (germline): Pathogenic/Likely pathogenic. Review status: criteria provided, multiple submitters, no conflicts (2 of 4 stars). 6 submissions from 6 submitters: Pathogenic (4); Likely pathogenic (1). 1 of the submissions does not count toward it. Last evaluated 2025-11-13.

Conditions:
Isovaleryl-CoA dehydrogenase deficiency (IVA). Also called: IVD DEFICIENCY; Isovaleric acidemia; Classic Isovaleric Acidemia; ISOVALERIC ACID CoA DEHYDROGENASE DEFICIENCY. Identifiers: Orphanet 33, MedGen C0268575, MONDO:0009475, OMIM 243500.

Allele frequency attached by ClinVar (database versions not stated): gnomAD 0.00001; ExAC 0.00002; gnomAD exomes 0.00002 and 0.00004; TOPMed 0.00002.

Submissions (6):

Labcorp Genetics (formerly Invitae), Labcorp
Classification: Pathogenic for Isovaleryl-CoA dehydrogenase deficiency. Last evaluated: 2025-11-13. Review status: criteria provided, single submitter. Criteria: Invitae Variant Classification Sherloc (09022015). Collection method: clinical testing. Allele origin: germline.
Comment: This sequence change creates a premature translational stop signal (p.Glu169Aspfs*11) in the IVD gene. It is expected to result in an absent or disrupted protein product. Loss-of-function variants in IVD are known to be pathogenic (PMID: 16602101). This variant is present in population databases (rs398123684, gnomAD 0.004%). This variant has not been reported in the literature in individuals affected with IVD-related conditions. ClinVar contains an entry for this variant (Variation ID: 94056). Algorithms developed to predict the effect of sequence changes on RNA splicing suggest that this variant may disrupt the consensus splice site. For these reasons, this variant has been classified as Pathogenic.

Natera, Inc.
Classification: Likely pathogenic for Isovaleryl-coa dehydrogenase deficiency. Last evaluated: 2025-10-20. Review status: criteria provided, single submitter. Criteria: Natera Variant Classification Schema (03/2026). Collection method: clinical testing. Allele origin: germline.
Comment: The c.507delG variant in IVD is a frameshift variant predicted to shift the reading frame beginning at codon 169 and leads to a stop codon 11 codons downstream. This variant is expected to result in nonsense mediated decay, truncation, or a dysfunctional protein product. This variant is rare in the general population with a frequency below the threshold expected for the associated phenotype(s). Given the available evidence, this variant is classified as Likely Pathogenic.

Baylor Genetics
Classification: Pathogenic for Isovaleryl-CoA dehydrogenase deficiency. Last evaluated: 2024-03-30. Review status: criteria provided, single submitter. Criteria: ACMG Guidelines, 2015. Collection method: clinical testing. Allele origin: unknown.

GeneDx
Classification: Pathogenic. Last evaluated: 2023-09-30. Review status: criteria provided, single submitter. Criteria: GeneDx Variant Classification Process June 2021. Collection method: clinical testing. Allele origin: germline. Affected: yes.
Comment: Frameshift variant predicted to result in protein truncation or nonsense mediated decay in a gene for which loss of function is a known mechanism of disease; Not observed at significant frequency in large population cohorts (gnomAD); Has not been previously published as pathogenic or benign to our knowledge

Eurofins Ntd Llc (ga)
Classification: Pathogenic. Last evaluated: 2013-08-21. Review status: criteria provided, single submitter. Criteria: EGL Classification Definitions. Collection method: clinical testing. Allele origin: germline. Observed: 4 variant alleles, 4 heterozygotes.

Counsyl
Classification: Likely pathogenic for Isovaleryl-CoA dehydrogenase deficiency. Last evaluated: 2014-01-02. Review status: no assertion criteria provided. Collection method: clinical testing. Allele origin: unknown. Not counted in ClinVar's aggregate classification.

Literature cited by the submitters: PubMed 16602101 (cited by Labcorp Genetics (formerly Invitae), Labcorp).